The following is an entry in ClinVar:

ClinVar aggregate classification (germline): Uncertain significance (1 of 4 stars; one submission).

gnomAD v4.1: 10 of 1,613,830 alleles (0.00062%); highest among the groups gnomAD compares: Non-Finnish European, 0.00085%; no homozygotes.

Submission:

Labcorp Genetics (formerly Invitae), Labcorp
Classification: Uncertain significance. Last evaluated: 2025-10-22. Review status: criteria provided, single submitter. Criteria: Invitae Variant Classification Sherloc (09022015). Collection method: clinical testing. Allele origin: germline.
Comment: This sequence change replaces histidine, which is basic and polar, with glutamine, which is neutral and polar, at codon 233 of the SCNN1G protein (p.His233Gln). This variant is present in population databases (rs192839222, gnomAD 0.0009%). This variant has not been reported in the literature in individuals affected with SCNN1G-related conditions. Invitae Evidence Modeling of protein sequence and biophysical properties (such as structural, functional, and spatial information, amino acid conservation, physicochemical variation, residue mobility, and thermodynamic stability) indicates that this missense variant is not expected to disrupt SCNN1G protein function with a negative predictive value of 80%. In summary, the available evidence is currently insufficient to determine the role of this variant in disease. Therefore, it has been classified as a Variant of Uncertain Significance.

NM_001039.4(SCNN1G):c.699C>G (p.His233Gln)

Gene: SCNN1G (sodium channel epithelial 1 subunit gamma; plus strand). Cytogenetic location: 16p12.2.
Variant type: single nucleotide variant.
Coding change: c.699C>G on transcript NM_001039.4 (MANE Select); coding-DNA position 699, C replaced by G.
Protein change: p.His233Gln; replaces histidine 233 with glutamine.
Molecular consequence: missense variant.
Genome position (GRCh38, 1-based): chr16:23,192,432, C>G. VCF-style: chr16-23192432-C-G. GRCh37 (hg19) VCF-style: chr16-23203753-C-G.
Other names: short protein forms H233Q.
Identifiers: ClinVar variation 4706628 (VCV004706628.1).